The following is an entry in ClinVar:

ClinVar aggregate classification (germline): Uncertain significance. Review status: criteria provided, multiple submitters, no conflicts (2 of 4 stars). 2 submissions from 2 submitters: Uncertain significance (2). Last evaluated 2024-09-16.

Conditions:
Walker-Warburg congenital muscular dystrophy. Also called: Muscular dystrophy-dystroglycanopathy, type A; Walker-Warburg syndrome. Identifiers: Orphanet 899, MedGen C0265221, MONDO:0000171.

Submissions (2):

Mayo Clinic Laboratories, Mayo Clinic
Classification: Uncertain significance. Last evaluated: 2024-09-16. Review status: criteria provided, single submitter. Criteria: ACMG Guidelines, 2015. Collection method: clinical testing. Allele origin: germline. Observed: 1 variant allele.
Comment: PM2

Labcorp Genetics (formerly Invitae), Labcorp
Classification: Uncertain significance for Walker-Warburg congenital muscular dystrophy. Last evaluated: 2021-08-28. Review status: criteria provided, single submitter. Criteria: Invitae Variant Classification Sherloc (09022015). Collection method: clinical testing. Allele origin: germline.

NM_001079802.2(FKTN):c.743T>C (p.Ile248Thr)

Gene: FKTN (fukutin; plus strand). Cytogenetic location: 9q31.2.
Variant type: single nucleotide variant.
Coding change: c.743T>C on transcript NM_001079802.2 (MANE Select); coding-DNA position 743, T replaced by C.
Protein change: p.Ile248Thr; replaces isoleucine 248 with threonine.
Molecular consequence: missense variant. On other transcripts: non-coding transcript variant (2).
Genome position (GRCh38, 1-based): chr9:105,607,914, T>C. VCF-style: chr9-105607914-T-C. GRCh37 (hg19) VCF-style: chr9-108370195-T-C.
Other names: p.Ile248Thr; c.743T>C, p.Ile248Thr (NM_001198963.2, NM_001351496.2, NM_001351498.2 and 1 more transcripts); c.674T>C, p.Ile225Thr (NM_001351497.2); c.347T>C, p.Ile116Thr (NM_001351499.2, NM_001351500.2, NM_001351501.2 and 1 more transcripts); c.743T>C (NM_001079802.1); short protein forms I248T, I116T, I225T.
Identifiers: ClinVar variation 1523908 (VCV001523908.4), dbSNP rs2132900809, ClinGen allele CA374332662.